The following is an entry in ClinVar:

NM_004408.4(DNM1):c.2238C>T (p.Asn746=)

Gene: DNM1 (dynamin 1; plus strand). Cytogenetic location: 9q34.11.
Variant type: single nucleotide variant.
Coding change: c.2238C>T on transcript NM_004408.4 (MANE Select); coding-DNA position 2238, C replaced by T.
Protein change: p.Asn746=; no amino-acid change (asparagine 746 retained).
Molecular consequence: synonymous variant.
Genome position (GRCh38, 1-based): chr9:128,250,276, C>T. VCF-style: chr9-128250276-C-T. GRCh37 (hg19) VCF-style: chr9-131012555-C-T.
Other names: c.2238C>T, p.Asn746= (NM_001005336.3, NM_001288737.2, NM_001288738.2 and 1 more transcripts).
Identifiers: ClinVar variation 383449 (VCV000383449.11), dbSNP rs1057521629, ClinGen allele CA16605495.

ClinVar aggregate classification (germline): Likely benign. Review status: criteria provided, multiple submitters, no conflicts (2 of 4 stars). 3 submissions from 3 submitters: Likely benign (3). Last evaluated 2024-02-17.

Conditions:
Developmental and epileptic encephalopathy, 31A. Also called: Developmental and epileptic encephalopathy, 31; Epileptic encephalopathy, early infantile, 31. Identifiers: Orphanet 2382, MedGen C4225357, MONDO:0014598, OMIM 616346.

Allele frequency attached by ClinVar (database versions not stated): gnomAD exomes 0.00001; TOPMed 0.00001; gnomAD 0.00004.
gnomAD v4.1: 9 of 1,613,240 alleles (0.00056%); highest among the groups gnomAD compares: African/African-American, 0.0093%; no homozygotes.

Submissions (3):

Labcorp Genetics (formerly Invitae), Labcorp
Classification: Likely benign for Developmental and epileptic encephalopathy, 31A. Last evaluated: 2024-02-17. Review status: criteria provided, single submitter. Criteria: Invitae Variant Classification Sherloc (09022015). Collection method: clinical testing. Allele origin: germline.

Blueprint Genetics
Classification: Likely benign. Last evaluated: 2020-09-14. Review status: criteria provided, single submitter. Criteria: ACMG Guidelines, 2015. Collection method: clinical testing. Allele origin: germline.

GeneDx
Classification: Likely benign. Last evaluated: 2016-02-29. Review status: criteria provided, single submitter. Criteria: GeneDx Variant Classification (06012015). Collection method: clinical testing. Allele origin: germline. Affected: yes.
Comment: This variant is considered likely benign or benign based on one or more of the following criteria: it is a conservative change, it occurs at a poorly conserved position in the protein, it is predicted to be benign by multiple in silico algorithms, and/or has population frequency not consistent with disease.